The following is an entry in ClinVar:

ClinVar aggregate classification (germline): Uncertain significance. Review status: criteria provided, multiple submitters, no conflicts (2 of 4 stars). 4 submissions from 4 submitters: Uncertain significance (4). Last evaluated 2024-10-09.

Conditions:
Otofaciocervical syndrome 2 (OTFCS2). Also called: OTOFACIOCERVICAL SYNDROME 2, WITH T-CELL DEFICIENCY. Identifiers: MedGen C5442121, MONDO:0014254, OMIM 615560.

Allele frequency attached by ClinVar (database versions not stated): gnomAD exomes 0.00004 and 0.00001; ExAC 0.00003; TOPMed 0.00005; gnomAD 0.00006 and 0.00007.
gnomAD v4.1: 42 of 1,601,414 alleles (0.0026%); highest among the groups gnomAD compares: East Asian, 0.02%; no homozygotes.

Submissions (4):

Victorian Clinical Genetics Services, Murdoch Childrens Research Institute
Classification: Uncertain significance for Otofaciocervical syndrome 2. Last evaluated: 2024-10-09. Review status: criteria provided, single submitter. Criteria: ACMG Guidelines, 2015. Collection method: clinical testing. Allele origin: germline. Inheritance: Autosomal recessive inheritance. Affected: no.
Comment: Based on the classification scheme VCGS_Germline_v1.3.4, this variant is classified as VUS-3B. Following criteria are met: 0102 - Loss of function is a known mechanism of disease in this gene and is associated with otofaciocervical syndrome 2 (MIM#615560). (I) 0106 - This gene is associated with autosomal recessive disease. (I) 0205 - Variant is predicted to result in a truncated protein (premature termination codon is NOT located at least 54 nucleotides upstream of the final exon-exon junction) with less than 1/3 of the protein sequence affected. (SP) 0219 - This variant is non-coding in an alternative transcript. This variant is located in the 3' UTR in the MANE transcript (NM_001257096.2). There are no likely pathogenic/pathogenic variants reported in the coding region unique to NM_006192.4 (ClinVar). (I) 0251 - This variant is heterozygous. (I) 0304 - Variant is present in gnomAD (v3) <0.01 for a recessive condition (11 heterozygotes, 0 homozygotes). (SP) 0705 - No comparable premature termination variants have previous evidence for pathogenicity. (I) 0809 - Previous evidence of pathogenicity for this variant is inconclusive. This variant has been classified as a VUS in ClinVar. (I) 0905 - No published segregation evidence has been identified for this variant. (I) 1007 - No published functional evidence has been identified for this variant. (I) 1207 - Parental origin of the variant is unresolved. (I) Legend: (SP) - Supporting pathogenic, (I) - Information, (SB) - Supporting benign

Labcorp Genetics (formerly Invitae), Labcorp
Classification: Uncertain significance. Last evaluated: 2023-11-28. Review status: criteria provided, single submitter. Criteria: Invitae Variant Classification Sherloc (09022015). Collection method: clinical testing. Allele origin: germline.
Comment: This sequence change creates a premature translational stop signal (p.Trp523*) in the PAX1 gene. While this is not anticipated to result in nonsense mediated decay, it is expected to disrupt the last 12 amino acid(s) of the PAX1 protein. This variant is present in population databases (rs748872583, gnomAD 0.05%). This variant has not been reported in the literature in individuals affected with PAX1-related conditions. ClinVar contains an entry for this variant (Variation ID: 1426095). Experimental studies and prediction algorithms are not available or were not evaluated, and the functional significance of this variant is currently unknown. In summary, the available evidence is currently insufficient to determine the role of this variant in disease. Therefore, it has been classified as a Variant of Uncertain Significance.

Revvity Omics, Revvity
Classification: Uncertain significance for Otofaciocervical syndrome 2. Last evaluated: 2023-10-03. Review status: criteria provided, single submitter. Criteria: ACMG Guidelines, 2015. Collection method: clinical testing. Allele origin: germline.

Women's Health and Genetics/Laboratory Corporation of America, LabCorp
Classification: Uncertain significance. Last evaluated: 2023-08-24. Review status: criteria provided, single submitter. Criteria: LabCorp Variant Classification Summary - May 2015. Collection method: clinical testing. Allele origin: germline.
Comment: Variant summary: PAX1 c.*204G>A is located in the untranslated mRNA region downstream of the termination codon (in transcript NM_001257096.1). However, in a different transcript (NM_006192.5) this variant results in a truncation variant in the last exon, c.1568G>A (p.Trp523Ter), which is not expected to result in nonsense mediated decay (NMD), but is predicted to remove the last 12 amino acids of the protein. No downstream truncations or missense/in-frame variants are reported in affected individuals (HGMD), or classified as pathogenic (ClinVar). The variant allele was found at a frequency of 4.2e-05 in 240198 control chromosomes, in the gnomAD database (v2.1, exomes dataset). In addition, in the GenomAsia database the variant was reported in 6 / 148 alleles in the Oceanian subpopulation (i.e. with a frequency of 0.04; all heterozygotes), and this relatively high subpopulation frequency might suggest a benign role for the variant. To our knowledge, no occurrence of c.*204G>A in individuals affected with Otofaciocervical Syndrome 2 and no experimental evidence demonstrating its impact on protein function have been reported. One submitter has cited clinical-significance assessments for this variant to ClinVar after 2014 and has classified the variant as uncertain significance. Based on the evidence outlined above, the variant was classified as VUS-possibly benign.

NM_001257096.2(PAX1):c.*204G>A

Gene: PAX1 (paired box 1; plus strand). Cytogenetic location: 20p11.22.
Variant type: single nucleotide variant.
Coding change: c.*204G>A on transcript NM_001257096.2 (MANE Select); 204 bases downstream of the stop codon, G replaced by A.
Molecular consequence: 3 prime UTR variant. On other transcripts: nonsense (1).
Genome position (GRCh38, 1-based): chr20:21,714,766, G>A. VCF-style: chr20-21714766-G-A. GRCh37 (hg19) VCF-style: chr20-21695404-G-A.
Other names: c.1568G>A, p.Trp523Ter (NM_006192.5); c.*204G>A (NM_001257096.1); c.1568G>A (NM_006192.4); short protein forms W523*.
Identifiers: ClinVar variation 1426095 (VCV001426095.6), dbSNP rs748872583, ClinGen allele CA9786829.